The following is an entry in ClinVar:

NM_001848.3(COL6A1):c.13C>T (p.Arg5Cys)

Gene: COL6A1 (collagen type VI alpha 1 chain; plus strand). Cytogenetic location: 21q22.3.
Variant type: single nucleotide variant.
Coding change: c.13C>T on transcript NM_001848.3 (MANE Select); coding-DNA position 13, C replaced by T.
Protein change: p.Arg5Cys; replaces arginine 5 with cysteine.
Molecular consequence: missense variant.
Genome position (GRCh38, 1-based): chr21:45,981,863, C>T. VCF-style: chr21-45981863-C-T. GRCh37 (hg19) VCF-style: chr21-47401777-C-T.
Other names: short protein forms R5C.
Identifiers: ClinVar variation 1359474 (VCV001359474.8), dbSNP rs1235513102, ClinGen allele CA410513780.
Genomic context (GRCh38, chr21:45,981,863, plus strand): 5'-GGCCCACTCTGCCCTGGCCGCGCTGTGTGGTGACCGCAGGCCCCAGACATGAGGGCGGCC[C>T]GTGCTCTGCTGCCCCTGCTGCTGCAGGCCTGCTGGACAGCCGCGCAGGATGAGCCGGAGA-3'
Protein context (NP_001839.2, residues 1-15): MRAA[Arg5Cys]ALLPLLLQAC

ClinVar aggregate classification (germline): Uncertain significance (1 of 4 stars; one submission).

Conditions:
Bethlem myopathy 1A. Also called: MYOPATHY, BENIGN CONGENITAL, WITH CONTRACTURES; Bethlem Muscular Dystrophy; Bethlem myopathy 1. Identifiers: Orphanet 610, MedGen CN029274, MONDO:0024530, OMIM 158810.

Allele frequency attached by ClinVar (database versions not stated): TOPMed below 0.00001; gnomAD 0.00001.

Submission:

Labcorp Genetics (formerly Invitae), Labcorp
Classification: Uncertain significance for Bethlem myopathy 1A. Last evaluated: 2024-02-17. Review status: criteria provided, single submitter. Criteria: Invitae Variant Classification Sherloc (09022015). Collection method: clinical testing. Allele origin: germline.
Comment: This sequence change replaces arginine, which is basic and polar, with cysteine, which is neutral and slightly polar, at codon 5 of the COL6A1 protein (p.Arg5Cys). The frequency data for this variant in the population databases is considered unreliable, as metrics indicate poor data quality at this position in the gnomAD database. This variant has not been reported in the literature in individuals affected with COL6A1-related conditions. ClinVar contains an entry for this variant (Variation ID: 1359474). Advanced modeling of protein sequence and biophysical properties (such as structural, functional, and spatial information, amino acid conservation, physicochemical variation, residue mobility, and thermodynamic stability) performed at Invitae indicates that this missense variant is not expected to disrupt COL6A1 protein function with a negative predictive value of 80%. In summary, the available evidence is currently insufficient to determine the role of this variant in disease. Therefore, it has been classified as a Variant of Uncertain Significance.